The following is an entry in ClinVar:

ClinVar aggregate classification (germline): Conflicting classifications of pathogenicity. Review status: criteria provided, conflicting classifications (1 of 4 stars). 3 submissions from 2 submitters: Uncertain significance (2); Likely benign (1). Last evaluated 2023-07-14.

Conditions:
Maturity-onset diabetes of the young (MODY). Also called: Maturity onset diabetes mellitus in young. Identifiers: Orphanet 552, MedGen C0342276, MONDO:0018911, HP:0004904.
Transitory neonatal diabetes mellitus. Also called: Transient neonatal diabetes mellitus. Identifiers: MedGen C0342273, MONDO:0020525, HP:0008255.

Submissions (3):

Labcorp Genetics (formerly Invitae), Labcorp
Classification: Likely benign. Last evaluated: 2023-07-14. Review status: criteria provided, single submitter. Criteria: Invitae Variant Classification Sherloc (09022015). Collection method: clinical testing. Allele origin: germline.

Clinical Genomics, Uppaluri K&H Personalized Medicine Clinic
Classification: Uncertain significance for Maturity-onset diabetes of the young. Review status: criteria provided, single submitter. Criteria: K & H Uppaluri Personalized Medicine Clinic Variant Classification & Assertion Criteria_Updated V.1. Collection method: research. Allele origin: somatic. Inheritance: Somatic mutation.
Comment: Mutations in ABCC8 gene are associated with both neonatal diabetes mellitus as well as MODY. Patients with this mutation may have a better response to sulfonylureas. However, no sufficient evidence is found to ascertain the role of this particular variant (rs370636988) in MODY yet.

Clinical Genomics, Uppaluri K&H Personalized Medicine Clinic
Classification: Uncertain significance for Transitory neonatal diabetes mellitus. Review status: criteria provided, single submitter. Criteria: K & H Uppaluri Personalized Medicine Clinic Variant Classification & Assertion Criteria_Updated V.1. Collection method: research. Allele origin: somatic. Inheritance: Somatic mutation.
Comment: Mutations in ABCC8 gene are associated with both neonatal diabetes mellitus as well as MODY. Patients with this mutation may have a better response to sulfonylureas. However, no sufficient evidence is found to ascertain the role of this particular variant (rs370636988) in neonatal diabetes yet.

Literature cited by the submitters: PubMed 16885549 (cited by Clinical Genomics, Uppaluri K&H Personalized Medicine Clinic); PubMed 21989597 (cited by Clinical Genomics, Uppaluri K&H Personalized Medicine Clinic); PubMed 27538677 (cited by Clinical Genomics, Uppaluri K&H Personalized Medicine Clinic); PubMed 18981553 (cited by Clinical Genomics, Uppaluri K&H Personalized Medicine Clinic); PubMed 32027066 (cited by Clinical Genomics, Uppaluri K&H Personalized Medicine Clinic); PubMed 16613899 (cited by Clinical Genomics, Uppaluri K&H Personalized Medicine Clinic); PubMed 18025408 (cited by Clinical Genomics, Uppaluri K&H Personalized Medicine Clinic); PubMed 32792356 (cited by Clinical Genomics, Uppaluri K&H Personalized Medicine Clinic).

NM_000352.6(ABCC8):c.3681C>G (p.Leu1227=)

Gene: ABCC8 (ATP binding cassette subfamily C member 8; minus strand). Cytogenetic location: 11p15.1.
Variant type: single nucleotide variant.
Coding change: c.3681C>G on transcript NM_000352.6 (MANE Select); coding-DNA position 3681, C replaced by G.
Protein change: p.Leu1227=; no amino-acid change (leucine 1227 retained).
Molecular consequence: synonymous variant. On other transcripts: non-coding transcript variant (1).
Genome position (GRCh38, 1-based): chr11:17,398,411, G>C on the plus strand (C>G on the coding strand, the complement: ABCC8 is on the minus strand). VCF-style: chr11-17398411-G-C. GRCh37 (hg19) VCF-style: chr11-17419958-G-C.
Other names: c.3684C>G, p.Leu1228= (NM_001287174.3); c.3747C>G, p.Leu1249= (NM_001351295.2); c.3681C>G, p.Leu1227= (NM_001351296.2); c.3678C>G, p.Leu1226= (NM_001351297.2).
Identifiers: ClinVar variation 1684493 (VCV001684493.4), dbSNP rs370636988, ClinGen allele CA218411348.